The following is an entry in ClinVar:

ClinVar aggregate classification (germline): Uncertain significance (1 of 4 stars; one submission).

Allele frequency attached by ClinVar (database versions not stated): gnomAD exomes below 0.00001 and 0.00001; ExAC 0.00001.
gnomAD v4.1: 1 of 1,210,048 alleles (0.000083%); highest among the groups gnomAD compares: Admixed American, 0.0022%; no homozygotes.

Submission:

Labcorp Genetics (formerly Invitae), Labcorp
Classification: Uncertain significance. Last evaluated: 2021-02-08. Review status: criteria provided, single submitter. Criteria: Invitae Variant Classification Sherloc (09022015). Collection method: clinical testing. Allele origin: germline.
Comment: In summary, the available evidence is currently insufficient to determine the role of this variant in disease. Therefore, it has been classified as a Variant of Uncertain Significance. Algorithms developed to predict the effect of missense changes on protein structure and function (SIFT, PolyPhen-2, Align-GVGD) all suggest that this variant is likely to be disruptive, but these predictions have not been confirmed by published functional studies and their clinical significance is uncertain. This variant has not been reported in the literature in individuals with NEXMIF-related conditions. This variant is present in population databases (rs747924344, ExAC 0.01%). This sequence change replaces serine with proline at codon 180 of the NEXMIF protein (p.Ser180Pro). The serine residue is highly conserved and there is a moderate physicochemical difference between serine and proline.

NM_001008537.3(NEXMIF):c.538T>C (p.Ser180Pro)

Gene: NEXMIF (neurite extension and migration factor; minus strand). Cytogenetic location: Xq13.3.
Variant type: single nucleotide variant.
Coding change: c.538T>C on transcript NM_001008537.3 (MANE Select); coding-DNA position 538, T replaced by C.
Protein change: p.Ser180Pro; replaces serine 180 with proline.
Molecular consequence: missense variant.
Genome position (GRCh38, 1-based): chrX:74,744,019, A>G on the plus strand (T>C on the coding strand, the complement: NEXMIF is on the minus strand). VCF-style: chrX-74744019-A-G. GRCh37 (hg19) VCF-style: chrX-73963854-A-G.
Other names: short protein forms S180P.
Identifiers: ClinVar variation 1522324 (VCV001522324.8), dbSNP rs747924344, ClinGen allele CA10455200.